The following is an entry in ClinVar:

NM_006047.6(RBM12):c.228G>A (p.Lys76=)

Genes: CPNE1 (copine 1; minus strand), RBM12 (RNA binding motif protein 12; minus strand). Cytogenetic location: 20q11.22.
Variant type: single nucleotide variant.
Coding change: c.228G>A on transcript NM_006047.6 (MANE Select); coding-DNA position 228, G replaced by A.
Protein change: p.Lys76=; no amino-acid change (lysine 76 retained).
Molecular consequence: synonymous variant. On other transcripts: intron variant (5).
Genome position (GRCh38, 1-based): chr20:35,655,095, C>T on the plus strand (G>A on the coding strand, the complement: RBM12 is on the minus strand). VCF-style: chr20-35655095-C-T. GRCh37 (hg19) VCF-style: chr20-34243017-C-T.
Other names: c.228G>A, p.Lys76= (NM_001198838.2, NM_001198840.2, NM_152838.4); c.-1+9707G>A (NM_001198863.2, NM_152926.3); c.-1+9665G>A (NM_152925.3); c.-1+3835G>A (NM_152928.3, NM_152927.3).
Identifiers: ClinVar variation 1268243 (VCV001268243.4), dbSNP rs6121015, ClinGen allele CA9836911.

ClinVar aggregate classification (germline): Benign. Review status: criteria provided, multiple submitters, no conflicts (2 of 4 stars). 3 submissions from 3 submitters: Benign (2). 1 of the submissions does not count toward it. Last evaluated 2021-09-14.

Conditions:
RBM12-related disorder. Also called: RBM12-related condition.

Allele frequency attached by ClinVar (database versions not stated): gnomAD exomes 0.19365 and 0.21670; ExAC 0.22287; TOPMed 0.25254; gnomAD 0.25288 and 0.25354; ESP Exome Variant Server 0.25934; 1000 Genomes Project 0.27117; 1000 Genomes Project 30x 0.27780.
gnomAD v4.1: 322,580 of 1,613,868 alleles (20%); highest among the groups gnomAD compares: African/African-American, 41%; 35,967 homozygotes.

Submissions (3):

GeneDx
Classification: Benign. Last evaluated: 2021-09-14. Review status: criteria provided, single submitter. Criteria: GeneDx Variant Classification Process June 2021. Collection method: clinical testing. Allele origin: germline. Affected: yes.

Breakthrough Genomics
Classification: Benign. Review status: criteria provided, single submitter. Criteria: ACMG Guidelines, 2015. Collection method: not provided. Allele origin: germline. Inheritance: Autosomal dominant inheritance. Affected: yes.

PreventionGenetics, part of Exact Sciences
Classification: Benign for RBM12-related condition. Last evaluated: 2019-10-28. Review status: no assertion criteria provided. Collection method: clinical testing. Allele origin: germline. Not counted in ClinVar's aggregate classification.
Comment: This variant is classified as benign based on ACMG/AMP sequence variant interpretation guidelines (Richards et al. 2015 PMID: 25741868, with internal and published modifications).